The following is an entry in ClinVar:

ClinVar aggregate classification (germline): Conflicting classifications of pathogenicity. Review status: criteria provided, conflicting classifications (1 of 4 stars). 2 submissions from 2 submitters: Uncertain significance (1); Likely benign (1). Last evaluated 2025-12-15.

Conditions:
Spondylodysplastic Ehlers-Danlos syndrome. Identifiers: Orphanet 536471, Orphanet 75496, MedGen C5680154, MONDO:0007526.
B4GALT7-related disorder. Also called: B4GALT7-related condition.

Allele frequency attached by ClinVar (database versions not stated): gnomAD 0.00001; TOPMed 0.00002.

Submissions (2):

PreventionGenetics, part of Exact Sciences
Classification: Likely benign for B4GALT7-related condition. Last evaluated: 2025-12-15. Review status: criteria provided, single submitter. Criteria: ACMG Guidelines, 2015. Collection method: clinical testing. Allele origin: germline.
Comment: This variant is classified as likely benign based on ACMG/AMP sequence variant interpretation guidelines (Richards et al. 2015 PMID: 25741868, with internal and published modifications).

Labcorp Genetics (formerly Invitae), Labcorp
Classification: Uncertain significance for Spondylodysplastic Ehlers-Danlos syndrome. Last evaluated: 2022-03-31. Review status: criteria provided, single submitter. Criteria: Invitae Variant Classification Sherloc (09022015). Collection method: clinical testing. Allele origin: germline.
Comment: This sequence change falls in intron 2 of the B4GALT7 gene. It does not directly change the encoded amino acid sequence of the B4GALT7 protein. It affects a nucleotide within the consensus splice site. This variant is present in population databases (rs761866281, gnomAD 0.005%). This variant has not been reported in the literature in individuals affected with B4GALT7-related conditions. Variants that disrupt the consensus splice site are a relatively common cause of aberrant splicing (PMID: 17576681, 9536098). Algorithms developed to predict the effect of sequence changes on RNA splicing suggest that this variant is not likely to affect RNA splicing. In summary, the available evidence is currently insufficient to determine the role of this variant in disease. Therefore, it has been classified as a Variant of Uncertain Significance.

Literature cited by the submitters: PubMed 17576681 (cited by Labcorp Genetics (formerly Invitae), Labcorp); PubMed 9536098 (cited by Labcorp Genetics (formerly Invitae), Labcorp).

NM_007255.3(B4GALT7):c.413+4G>C

Gene: B4GALT7 (beta-1,4-galactosyltransferase 7; plus strand). Cytogenetic location: 5q35.3.
Variant type: single nucleotide variant.
Coding change: c.413+4G>C on transcript NM_007255.3 (MANE Select); 4 bases into the intron after coding-DNA position 413, G replaced by C.
Molecular consequence: intron variant.
Genome position (GRCh38, 1-based): chr5:177,604,545, G>C. VCF-style: chr5-177604545-G-C. GRCh37 (hg19) VCF-style: chr5-177031546-G-C.
Other names: c.413+4G>C (NM_007255.2).
Identifiers: ClinVar variation 1387041 (VCV001387041.4), dbSNP rs761866281, ClinGen allele CA3586465.
Genomic context (GRCh38, chr5:177,604,545, plus strand): 5'-GAGCAGGAAGAAGATCCGGCACCACATCTACGTGCTCAACCAGGTGGACCACTTCAGGTA[G>C]CGCCCGCCCCCACCCTCTCCCCTCGGCACCCCTGCCCGGGCTCAGGCTTCTCAGGCCCTG-3'